The following is an entry in ClinVar:

ClinVar aggregate classification (germline): Benign/Likely benign. Review status: criteria provided, multiple submitters, no conflicts (2 of 4 stars). 4 submissions from 4 submitters: Benign (2); Likely benign (2). Last evaluated 2026-06-24.

Conditions:
Inborn genetic diseases. Identifiers: MedGen C0950123, MeSH D030342.
Charcot-Marie-Tooth disease axonal type 2O. Also called: CHARCOT-MARIE-TOOTH NEUROPATHY, AXONAL, TYPE 2O; CHARCOT-MARIE-TOOTH DISEASE, AXONAL, AUTOSOMAL DOMINANT, TYPE 2O; Charcot-Marie-Tooth Neuropathy Type 2O; Charcot-Marie-Tooth disease, axonal, type 20. Identifiers: Orphanet 284232, MedGen C3280220, MONDO:0013644, OMIM 614228.

Allele frequency attached by ClinVar (database versions not stated): gnomAD 0.00001; gnomAD exomes 0.00003 and 0.00014; TOPMed 0.00003; ExAC 0.00009.
gnomAD v4.1: 46 of 1,614,082 alleles (0.0028%); highest among the groups gnomAD compares: Admixed American, 0.062%; no homozygotes.

Submissions (4):

Women's Health and Genetics/Laboratory Corporation of America, LabCorp
Classification: Benign. Last evaluated: 2026-06-24. Review status: criteria provided, single submitter. Criteria: LabCorp Variant Classification Summary - May 2015. Collection method: clinical testing. Allele origin: germline.
Comment: Variant summary: DYNC1H1 c.12276G>A (p.Arg4092Arg) alters a nucleotide located close to a canonical splice site and therefore could affect mRNA splicing, leading to a significantly altered protein sequence. Consensus agreement among computation tools predict no significant impact on normal splicing. However, these predictions have yet to be confirmed by functional studies. The variant allele was found at a frequency of 0.00014 in 251462 control chromosomes. The observed variant frequency exceeds the estimated maximal expected allele frequency for disease-causing variants in DYNC1H1. To our knowledge, no occurrence of c.12276G>A in individuals affected with DYNC1H1-related conditions and no experimental evidence demonstrating its impact on protein function have been reported. ClinVar contains an entry for this variant (Variation ID: 1159817). Based on the evidence outlined above, the variant was classified as benign.

Labcorp Genetics (formerly Invitae), Labcorp
Classification: Likely benign for Charcot-Marie-Tooth disease axonal type 2O. Last evaluated: 2026-01-28. Review status: criteria provided, single submitter. Criteria: Invitae Variant Classification Sherloc (09022015). Collection method: clinical testing. Allele origin: germline.

GeneDx
Classification: Benign. Last evaluated: 2019-05-06. Review status: criteria provided, single submitter. Criteria: GeneDx Variant Classification Process June 2021. Collection method: clinical testing. Allele origin: germline. Affected: yes.

Ambry Genetics
Classification: Likely benign for Inborn genetic diseases. Last evaluated: 2017-12-15. Review status: criteria provided, single submitter. Criteria: Ambry Variant Classification Scheme 2023. Collection method: clinical testing. Allele origin: germline.

NM_001376.5(DYNC1H1):c.12276G>A (p.Arg4092=)

Gene: DYNC1H1 (dynein cytoplasmic 1 heavy chain 1; plus strand). Cytogenetic location: 14q32.31.
Variant type: single nucleotide variant.
Coding change: c.12276G>A on transcript NM_001376.5 (MANE Select); coding-DNA position 12276, G replaced by A.
Protein change: p.Arg4092=; no amino-acid change (arginine 4092 retained).
Molecular consequence: synonymous variant.
Genome position (GRCh38, 1-based): chr14:102,042,384, G>A. VCF-style: chr14-102042384-G-A. GRCh37 (hg19) VCF-style: chr14-102508721-G-A.
Identifiers: ClinVar variation 1159817 (VCV001159817.13), dbSNP rs746372351, ClinGen allele CA7353898.
Genomic context (GRCh38, chr14:102,042,384, plus strand): 5'-TCCCCAGGCATTCAGGCAGGCAGCCTGGCATGCTGTGTGACTCTCACTTTGTGTGTGCAG[G>A]TGGGTGATGCTGAAGAATGTGCATCTGGCCCCAGGGTGGCTGATGCAGCTGGAGAAGAAG-3'
Protein context (NP_001367.2, residues 4082-4102): KAINTAVKSG[Arg4092=]WVMLKNVHLA